The following is an entry in ClinVar:

ClinVar aggregate classification (germline): Likely pathogenic (1 of 4 stars; one submission).

Allele frequency attached by ClinVar (database versions not stated): gnomAD exomes below 0.00001 and 0.00001; ExAC 0.00001.
gnomAD v4.1: 4 of 1,614,186 alleles (0.00025%); highest among the groups gnomAD compares: African/African-American, 0.0013%; no homozygotes.

Submission:

GeneDx
Classification: Likely pathogenic. Last evaluated: 2016-11-02. Review status: criteria provided, single submitter. Criteria: GeneDx Variant Classification (06012015). Collection method: clinical testing. Allele origin: germline. Affected: yes.
Comment: The P251L variant in the STAT1 gene has not been reported previously as a pathogenic variant, nor as a benign variant, to our knowledge. The P251L variant was not observed in approximately 6,500 individuals of European and African American ancestry in the NHLBI Exome Sequencing Project, indicating it is not a common benign variant in these populations. The P251L variant is a semi-conservative amino acid substitution, which may impact secondary protein structure as these residues differ in some properties. This substitution occurs at a position that is conserved across species. In silico analysis predicts this variant is probably damaging to the protein structure/function. The P251L variant is a strong candidate for a pathogenic variant, however the possibility it may be a rare benign variant cannot be excluded.

NM_007315.4(STAT1):c.752C>T (p.Pro251Leu)

Gene: STAT1 (signal transducer and activator of transcription 1; minus strand). Cytogenetic location: 2q32.2.
Variant type: single nucleotide variant.
Coding change: c.752C>T on transcript NM_007315.4 (MANE Select); coding-DNA position 752, C replaced by T.
Protein change: p.Pro251Leu; replaces proline 251 with leucine.
Molecular consequence: missense variant.
Genome position (GRCh38, 1-based): chr2:190,997,889, G>A on the plus strand (C>T on the coding strand, the complement: STAT1 is on the minus strand). VCF-style: chr2-190997889-G-A. GRCh37 (hg19) VCF-style: chr2-191862615-G-A.
Other names: c.752C>T, p.Pro251Leu (NM_001384880.1, NM_001384882.1, NM_001384885.1 and 5 more transcripts); c.758C>T, p.Pro253Leu (NM_001384881.1, NM_001384884.1); c.653C>T, p.Pro218Leu (NM_001384883.1); c.662C>T, p.Pro221Leu (NM_001384890.1); c.788C>T, p.Pro263Leu (NM_001384891.1); short protein forms P251L, P218L, P221L, P253L, P263L.
Identifiers: ClinVar variation 422527 (VCV000422527.2), dbSNP rs778254943, ClinGen allele CA2030156.